The following is an entry in ClinVar:

NM_005445.4(SMC3):c.262C>T (p.Arg88Trp)

Gene: SMC3 (structural maintenance of chromosomes 3; plus strand). Cytogenetic location: 10q25.2.
Variant type: single nucleotide variant.
Coding change: c.262C>T on transcript NM_005445.4 (MANE Select); coding-DNA position 262, C replaced by T.
Protein change: p.Arg88Trp; replaces arginine 88 with tryptophan.
Molecular consequence: missense variant.
Genome position (GRCh38, 1-based): chr10:110,577,484, C>T. VCF-style: chr10-110577484-C-T. GRCh37 (hg19) VCF-style: chr10-112337242-C-T.
Other names: short protein forms R88W.
Identifiers: ClinVar variation 4747144 (VCV004747144.2).

ClinVar aggregate classification (germline): Uncertain significance. Review status: criteria provided, multiple submitters, no conflicts (2 of 4 stars). 2 submissions from 2 submitters: Uncertain significance (2). Last evaluated 2026-06-17.

Conditions:
Cornelia de Lange syndrome 3 (CDLS3). Also called: SMC3-Related Cornelia de Lange Syndrome; CORNELIA DE LANGE SYNDROME 3 WITH OR WITHOUT MIDLINE BRAIN DEFECTS. Identifiers: Orphanet 199, MedGen C1853099, MONDO:0012555, OMIM 610759.
Inborn genetic diseases. Identifiers: MedGen C0950123, MeSH D030342.

Submissions (2):

Ambry Genetics
Classification: Uncertain significance for Inborn genetic diseases. Last evaluated: 2026-06-17. Review status: criteria provided, single submitter. Criteria: Ambry Variant Classification Scheme 2023. Collection method: clinical testing. Allele origin: germline.

Labcorp Genetics (formerly Invitae), Labcorp
Classification: Uncertain significance for Cornelia de Lange syndrome 3. Last evaluated: 2025-02-25. Review status: criteria provided, single submitter. Criteria: Invitae Variant Classification Sherloc (09022015). Collection method: clinical testing. Allele origin: germline.
Comment: This sequence change replaces arginine, which is basic and polar, with tryptophan, which is neutral and slightly polar, at codon 88 of the SMC3 protein (p.Arg88Trp). This variant is not present in population databases (gnomAD no frequency). This variant has not been reported in the literature in individuals affected with SMC3-related conditions. Invitae Evidence Modeling of protein sequence and biophysical properties (such as structural, functional, and spatial information, amino acid conservation, physicochemical variation, residue mobility, and thermodynamic stability) indicates that this missense variant is expected to disrupt SMC3 protein function with a positive predictive value of 95%. In summary, the available evidence is currently insufficient to determine the role of this variant in disease. Therefore, it has been classified as a Variant of Uncertain Significance.